The following is an entry in ClinVar:

ClinVar aggregate classification (germline): Uncertain significance (1 of 4 stars; one submission).

Conditions:
Martsolf syndrome (MARTS). Also called: Congenital cataract with intellectual disability and hypogonadotropic hypogonadism syndrome. Identifiers: Orphanet 1387, MedGen C0796037, MONDO:0023910.
Warburg micro syndrome 2 (WARBM2). Also called: MICRO SYNDROME 2. Identifiers: Orphanet 2510, MedGen C3280214, MONDO:0013641, OMIM 614225.

Submission:

Labcorp Genetics (formerly Invitae), Labcorp
Classification: Uncertain significance for Martsolf syndrome; Warburg micro syndrome 2. Last evaluated: 2021-10-08. Review status: criteria provided, single submitter. Criteria: Invitae Variant Classification Sherloc (09022015). Collection method: clinical testing. Allele origin: germline.
Comment: In summary, the available evidence is currently insufficient to determine the role of this variant in disease. Therefore, it has been classified as a Variant of Uncertain Significance. Algorithms developed to predict the effect of missense changes on protein structure and function are either unavailable or do not agree on the potential impact of this missense change (SIFT: "Tolerated"; PolyPhen-2: "Possibly Damaging"; Align-GVGD: "Class C0"). This variant has not been reported in the literature in individuals affected with RAB3GAP2-related conditions. This variant is not present in population databases (ExAC no frequency). This sequence change replaces aspartic acid with asparagine at codon 705 of the RAB3GAP2 protein (p.Asp705Asn). The aspartic acid residue is moderately conserved and there is a small physicochemical difference between aspartic acid and asparagine.

NM_012414.4(RAB3GAP2):c.2113G>A (p.Asp705Asn)

Gene: RAB3GAP2 (RAB3 GTPase activating non-catalytic protein subunit 2; minus strand). Cytogenetic location: 1q41.
Variant type: single nucleotide variant.
Coding change: c.2113G>A on transcript NM_012414.4 (MANE Select); coding-DNA position 2113, G replaced by A.
Protein change: p.Asp705Asn; replaces aspartic acid 705 with asparagine.
Molecular consequence: missense variant.
Genome position (GRCh38, 1-based): chr1:220,182,817, C>T on the plus strand (G>A on the coding strand, the complement: RAB3GAP2 is on the minus strand). VCF-style: chr1-220182817-C-T. GRCh37 (hg19) VCF-style: chr1-220356159-C-T.
Other names: short protein forms D705N.
Identifiers: ClinVar variation 1385401 (VCV001385401.6), dbSNP rs906042384, ClinGen allele CA344642584.